The following is an entry in ClinVar:

ClinVar aggregate classification (germline): Conflicting classifications of pathogenicity. Review status: criteria provided, conflicting classifications (1 of 4 stars). 3 submissions from 3 submitters: Uncertain significance (2); Likely benign (1). Last evaluated 2025-11-20.

Conditions:
Familial sleep-related hypermotor epilepsy. Also called: Autosomal Dominant Sleep-Related Hypermotor (Hyperkinetic) Epilepsy. Identifiers: Orphanet 98784, MedGen C3696898, MONDO:0000030.
Inborn genetic diseases. Identifiers: MedGen C0950123, MeSH D030342.

gnomAD v4.1: 19 of 1,613,460 alleles (0.0012%); highest among the groups gnomAD compares: Admixed American, 0.0017%; no homozygotes.

Submissions (3):

Ambry Genetics
Classification: Likely benign for Inborn genetic diseases. Last evaluated: 2025-11-20. Review status: criteria provided, single submitter. Criteria: Ambry Variant Classification Scheme 2023. Collection method: clinical testing. Allele origin: germline.

GeneDx
Classification: Uncertain significance. Last evaluated: 2022-12-16. Review status: criteria provided, single submitter. Criteria: GeneDx Variant Classification Process June 2021. Collection method: clinical testing. Allele origin: germline. Affected: yes.
Comment: In silico analysis supports that this missense variant has a deleterious effect on protein structure/function; Has not been previously published as pathogenic or benign to our knowledge

Labcorp Genetics (formerly Invitae), Labcorp
Classification: Uncertain significance. Last evaluated: 2022-07-06. Review status: criteria provided, single submitter. Criteria: Invitae Variant Classification Sherloc (09022015). Collection method: clinical testing. Allele origin: germline.
Comment: This variant is present in population databases (rs759167480, gnomAD 0.02%). This variant has not been reported in the literature in individuals affected with CHRNA4-related conditions. ClinVar contains an entry for this variant (Variation ID: 1464633). Algorithms developed to predict the effect of missense changes on protein structure and function are either unavailable or do not agree on the potential impact of this missense change (SIFT: "Deleterious"; PolyPhen-2: "Probably Damaging"; Align-GVGD: "Class C15"). In summary, the available evidence is currently insufficient to determine the role of this variant in disease. Therefore, it has been classified as a Variant of Uncertain Significance. This sequence change replaces arginine, which is basic and polar, with tryptophan, which is neutral and slightly polar, at codon 360 of the CHRNA4 protein (p.Arg360Trp).

NM_000744.7(CHRNA4):c.1078C>T (p.Arg360Trp)

Gene: CHRNA4 (cholinergic receptor nicotinic alpha 4 subunit; minus strand). Cytogenetic location: 20q13.33.
Variant type: single nucleotide variant.
Coding change: c.1078C>T on transcript NM_000744.7 (MANE Select); coding-DNA position 1078, C replaced by T.
Protein change: p.Arg360Trp; replaces arginine 360 with tryptophan.
Molecular consequence: missense variant. On other transcripts: non-coding transcript variant (1).
Genome position (GRCh38, 1-based): chr20:63,350,333, G>A on the plus strand (C>T on the coding strand, the complement: CHRNA4 is on the minus strand). VCF-style: chr20-63350333-G-A. GRCh37 (hg19) VCF-style: chr20-61981685-G-A.
Other names: c.1078C>T (NM_000744.5); c.550C>T, p.Arg184Trp (NM_001256573.2); short protein forms R184W, R360W.
Identifiers: ClinVar variation 1464633 (VCV001464633.10), dbSNP rs759167480, ClinGen allele CA9957662.